The following is an entry in ClinVar:

ClinVar aggregate classification (germline): Benign/Likely benign. Review status: criteria provided, multiple submitters, no conflicts (2 of 4 stars). 6 submissions from 6 submitters: Benign (1); Likely benign (3). 2 of the submissions do not count toward it. Last evaluated 2026-03-01.

Conditions:
Dermatitis, atopic, 2. Identifiers: MedGen C1853965, MONDO:0011596, OMIM 605803.
Ichthyosis vulgaris. Also called: ICHTHYOSIS SIMPLEX; Dominant ichthyosis vulgaris. Identifiers: MedGen C0079584, MONDO:0024304, OMIM 146700.

Allele frequency attached by ClinVar (database versions not stated): gnomAD 0.00031 and 0.00034; TOPMed 0.00036; ESP Exome Variant Server 0.00038; ExAC 0.00062; gnomAD exomes 0.00078; 1000 Genomes Project 30x 0.00094; 1000 Genomes Project 0.00100.
gnomAD v4.1: 419 of 1,614,006 alleles (0.026%); highest among the groups gnomAD compares: East Asian, 0.23%; 1 homozygote.

Submissions (6):

CeGaT Center for Human Genetics Tuebingen
Classification: Likely benign. Last evaluated: 2026-03-01. Review status: criteria provided, single submitter. Criteria: CeGaT Center For Human Genetics Tuebingen Variant Classification Criteria Version 2. Collection method: clinical testing. Allele origin: germline. Affected: yes. Observed: 4 variant alleles.
Comment: FLG: BP4, BP7

Blueprint Genetics
Classification: Likely benign. Last evaluated: 2024-06-11. Review status: criteria provided, single submitter. Criteria: ACMG Guidelines, 2015. Collection method: clinical testing. Allele origin: germline.

Fulgent Genetics
Classification: Likely benign for Ichthyosis vulgaris; Dermatitis, atopic, 2. Last evaluated: 2022-01-18. Review status: criteria provided, single submitter. Criteria: ACMG Guidelines, 2015. Collection method: clinical testing. Allele origin: unknown.

Breakthrough Genomics
Classification: Benign. Review status: criteria provided, single submitter. Criteria: ACMG Guidelines, 2015. Collection method: not provided. Allele origin: germline. Inheritance: Autosomal dominant inheritance. Affected: yes.

Clinical Genetics DNA and cytogenetics Diagnostics Lab, Erasmus MC, Erasmus Medical Center
Classification: Likely benign. Review status: no assertion criteria provided. Collection method: clinical testing. Allele origin: germline. Affected: yes. Study: VKGL Data-share Consensus. Not counted in ClinVar's aggregate classification.

Joint Genome Diagnostic Labs from Nijmegen and Maastricht, Radboudumc and MUMC+
Classification: Benign. Review status: no assertion criteria provided. Collection method: clinical testing. Allele origin: germline. Affected: yes. Study: VKGL Data-share Consensus. Not counted in ClinVar's aggregate classification.

NM_002016.2(FLG):c.2067T>C (p.Ser689=)

Genes: CCDST (cervical cancer associated DHX9 suppressive transcript; plus strand), FLG (filaggrin; minus strand). Cytogenetic location: 1q21.3.
Variant type: single nucleotide variant.
Coding change: c.2067T>C on transcript NM_002016.2 (MANE Select); coding-DNA position 2067, T replaced by C.
Protein change: p.Ser689=; no amino-acid change (serine 689 retained).
Molecular consequence: synonymous variant.
Genome position (GRCh38, 1-based): chr1:152,312,819, A>G on the plus strand (T>C on the coding strand, the complement: FLG is on the minus strand). VCF-style: chr1-152312819-A-G. GRCh37 (hg19) VCF-style: chr1-152285295-A-G.
Identifiers: ClinVar variation 1297580 (VCV001297580.30), dbSNP rs138782580, ClinGen allele CA1107343.